The following is an entry in ClinVar:

ClinVar aggregate classification (germline): Uncertain significance (1 of 4 stars; one submission).

gnomAD v4.1: 17 of 1,614,136 alleles (0.0011%); highest among the groups gnomAD compares: Non-Finnish European, 0.0014%; no homozygotes.

Submission:

Labcorp Genetics (formerly Invitae), Labcorp
Classification: Uncertain significance. Last evaluated: 2024-05-19. Review status: criteria provided, single submitter. Criteria: Invitae Variant Classification Sherloc (09022015). Collection method: clinical testing. Allele origin: germline.
Comment: This sequence change replaces serine, which is neutral and polar, with tyrosine, which is neutral and polar, at codon 1564 of the COL4A2 protein (p.Ser1564Tyr). This variant is present in population databases (rs775127177, gnomAD 0.003%). This variant has not been reported in the literature in individuals affected with COL4A2-related conditions. Advanced modeling of protein sequence and biophysical properties (such as structural, functional, and spatial information, amino acid conservation, physicochemical variation, residue mobility, and thermodynamic stability) has been performed at Invitae for this missense variant, however the output from this modeling did not meet the statistical confidence thresholds required to predict the impact of this variant on COL4A2 protein function. In summary, the available evidence is currently insufficient to determine the role of this variant in disease. Therefore, it has been classified as a Variant of Uncertain Significance.

NM_001846.4(COL4A2):c.4691C>A (p.Ser1564Tyr)

Genes: COL4A2 (collagen type IV alpha 2 chain; plus strand), COL4A2-AS1 (COL4A2 antisense RNA 1; minus strand). Cytogenetic location: 13q34.
Variant type: single nucleotide variant.
Coding change: c.4691C>A on transcript NM_001846.4 (MANE Select); coding-DNA position 4691, C replaced by A.
Protein change: p.Ser1564Tyr; replaces serine 1564 with tyrosine.
Molecular consequence: missense variant.
Genome position (GRCh38, 1-based): chr13:110,508,031, C>A. VCF-style: chr13-110508031-C-A. GRCh37 (hg19) VCF-style: chr13-111160378-C-A.
Other names: short protein forms S1564Y.
Identifiers: ClinVar variation 3706611 (VCV003706611.2).